The following is an entry in ClinVar:

NM_020975.6(RET):c.2393-6C>G

Gene: RET (ret proto-oncogene; plus strand). Cytogenetic location: 10q11.21.
Variant type: single nucleotide variant.
Coding change: c.2393-6C>G on transcript NM_020975.6 (MANE Select); 6 bases into the intron before coding-DNA position 2393, C replaced by G.
Molecular consequence: intron variant.
Genome position (GRCh38, 1-based): chr10:43,119,525, C>G. VCF-style: chr10-43119525-C-G. GRCh37 (hg19) VCF-style: chr10-43614973-C-G.
Other names: c.2393-6C>G (NM_020630.7, NM_001406743.1, NM_001406744.1 and 2 more transcripts); c.2258-6C>G (NM_001406765.1, NM_001406763.1); c.1997-6C>G (NM_001406772.1, NM_001406769.1); c.1955-6C>G (NM_001406773.1, NM_001406771.1); c.1496-6C>G (NM_001406782.1, NM_001406780.1, NM_001406779.1 and 1 more transcripts); c.1361-6C>G (NM_001406787.1); c.1376-6C>G (NM_001406785.1); c.2264-6C>G (NM_001406764.1, NM_001406762.1, NM_001406761.1); and 10 more.
Identifiers: ClinVar variation 2820763 (VCV002820763.3), dbSNP rs371646543, ClinGen allele CA2739265352.

ClinVar aggregate classification (germline): Uncertain significance (1 of 4 stars; one submission).

Conditions:
Multiple endocrine neoplasia, type 2 (MEN2). Identifiers: Orphanet 653, MedGen C4048306, MONDO:0019003. Disease mechanism: gain of function.

Submission:

Labcorp Genetics (formerly Invitae), Labcorp
Classification: Uncertain significance for Multiple endocrine neoplasia, type 2. Last evaluated: 2023-01-05. Review status: criteria provided, single submitter. Criteria: Invitae Variant Classification Sherloc (09022015). Collection method: clinical testing. Allele origin: germline.
Comment: In summary, the available evidence is currently insufficient to determine the role of this variant in disease. Therefore, it has been classified as a Variant of Uncertain Significance. Algorithms developed to predict the effect of sequence changes on RNA splicing suggest that this variant may create or strengthen a splice site. This variant has not been reported in the literature in individuals affected with RET-related conditions. This variant is not present in population databases (gnomAD no frequency). This sequence change falls in intron 13 of the RET gene. It does not directly change the encoded amino acid sequence of the RET protein.